The following is an entry in ClinVar:

NM_002069.6(GNAI1):c.*4T>G

Gene: GNAI1 (G protein subunit alpha i1; plus strand). Cytogenetic location: 7q21.11.
Variant type: single nucleotide variant.
Coding change: c.*4T>G on transcript NM_002069.6 (MANE Select); 4 bases downstream of the stop codon, T replaced by G.
Molecular consequence: 3 prime UTR variant.
Genome position (GRCh38, 1-based): chr7:80,217,497, T>G. VCF-style: chr7-80217497-T-G. GRCh37 (hg19) VCF-style: chr7-79846813-T-G.
Other names: c.*4T>G (NM_001256414.2).
Identifiers: ClinVar variation 2657635 (VCV002657635.24), dbSNP rs145986230, ClinGen allele CA4314663.

ClinVar aggregate classification (germline): Likely benign (1 of 4 stars; one submission).

Allele frequency attached by ClinVar (database versions not stated): ExAC 0.00117; ESP Exome Variant Server 0.00315; TOPMed 0.00352; 1000 Genomes Project 30x 0.00468; 1000 Genomes Project 0.00479.
gnomAD v4.1: 940 of 1,567,532 alleles (0.06%); highest among the groups gnomAD compares: African/African-American, 1%; 4 homozygotes.

Submission:

CeGaT Center for Human Genetics Tuebingen
Classification: Likely benign. Last evaluated: 2026-09-01. Review status: criteria provided, single submitter. Criteria: CeGaT Center For Human Genetics Tuebingen Variant Classification Criteria Version 2. Collection method: clinical testing. Allele origin: germline. Affected: yes. Observed: 2 variant alleles.
Comment: GNAI1: BS1